The following is an entry in ClinVar:

ClinVar aggregate classification (germline): Uncertain significance (1 of 4 stars; one submission).

gnomAD v4.1: 1 of 1,613,462 alleles (0.000062%); no homozygotes.

Submission:

Dasa
Classification: Uncertain significance. Last evaluated: 2025-08-05. Review status: criteria provided, single submitter. Criteria: DASA Assertion Criteria. Collection method: clinical testing. Allele origin: germline.
Comment: NM_001394062.1(MACF1):c.1013C>T (p.Pro338Leu) is a missense variant that results in the substitution of proline with leucine. This variant is rare in population databases. Computational prediction algorithms are consistent with a deleterious effect. The currently available literature and clinical evidence are not sufficient to establish a definitive association between this variant and the reported condition. Therefore, this variant is classified as a variant of uncertain significance.

NM_001394062.1(MACF1):c.1013C>T (p.Pro338Leu)

Gene: MACF1 (microtubule actin crosslinking factor 1; plus strand). Cytogenetic location: 1p34.3.
Variant type: single nucleotide variant.
Coding change: c.1013C>T on transcript NM_001394062.1 (MANE Select); coding-DNA position 1013, C replaced by T.
Protein change: p.Pro338Leu; replaces proline 338 with leucine.
Molecular consequence: missense variant.
Genome position (GRCh38, 1-based): chr1:39,284,163, C>T. VCF-style: chr1-39284163-C-T. GRCh37 (hg19) VCF-style: chr1-39749835-C-T.
Other names: c.1028C>T, p.Pro343Leu (NM_012090.5); short protein forms P338L, P343L.
Identifiers: ClinVar variation 4881707 (VCV004881707.2).
Genomic context (GRCh38, chr1:39,284,163, plus strand): 5'-TGGACTCCCTCATTCCCTGGATCAAACAGCATACAATACTGATGTCAGATAAAACTTTTC[C>T]CCAAAACCCTGTTGAACTAAAGGTAAAGTCAAGGACTTAAATTTTTTTGGTAAAATCTTT-3'
Protein context (NP_001380991.1, residues 328-348): HTILMSDKTF[Pro338Leu]QNPVELKALY